The following is an entry in ClinVar:

ClinVar aggregate classification (germline): Pathogenic (1 of 4 stars; one submission).

Conditions:
Ataxia-telangiectasia syndrome (AT). Also called: Ataxia telangiectasia (A-T); ATAXIA-TELANGIECTASIA, COMPLEMENTATION GROUP A; ATAXIA-TELANGIECTASIA, FRESNO VARIANT; Ataxia-telangiectasia; Ataxia-telangiectasia, complementation group E; LOUIS-BAR SYNDROME. Identifiers: Orphanet 100, MedGen C0004135, MONDO:0008840, OMIM 208900.

Submission:

Labcorp Genetics (formerly Invitae), Labcorp
Classification: Pathogenic for Ataxia-telangiectasia syndrome. Last evaluated: 2020-02-29. Review status: criteria provided, single submitter. Criteria: Invitae Variant Classification Sherloc (09022015). Collection method: clinical testing. Allele origin: germline.
Comment: For these reasons, this variant has been classified as Pathogenic. Loss-of-function variants in ATM are known to be pathogenic (PMID: 23807571, 25614872). This variant has not been reported in the literature in individuals with ATM-related conditions. This variant is not present in population databases (ExAC no frequency). This sequence change creates a premature translational stop signal (p.Ser2476Argfs*4) in the ATM gene. It is expected to result in an absent or disrupted protein product.

Literature cited by the submitters: PubMed 23807571; PubMed 25614872.

NM_000051.4(ATM):c.7425_7429del (p.Ser2476fs)

Genes: ATM (ATM serine/threonine kinase; plus strand), C11orf65 (chromosome 11 open reading frame 65; minus strand). Cytogenetic location: 11q22.3.
Variant type: Deletion.
Coding change: c.7425_7429del on transcript NM_000051.4 (MANE Select); coding-DNA positions 7425 to 7429, 5 bases deleted (AAGTG; older notation c.7425_7429delAAGTG).
Protein change: p.Ser2476fs; shifts the reading frame from serine 2476.
Molecular consequence: frameshift variant. On other transcripts: intron variant (2).
Genome position (GRCh38, 1-based): chr11:108,330,331-108,330,335, AAGTG deleted. VCF-style (leftmost placement, unchanged base first): chr11-108330330-TAAGTG-T. GRCh37 (hg19) VCF-style: chr11-108201057-TAAGTG-T.
Other names: c.7425_7429del, p.Ser2476fs (NM_001351834.2); c.641-21264_641-21260del (NM_001330368.2); c.*38+4885_*38+4889del (NM_001351110.2); short protein forms S2476fs.
Identifiers: ClinVar variation 1076537 (VCV001076537.7), dbSNP rs2136459200, ClinGen allele CA2499220709.